The following is an entry in ClinVar:

NM_004260.4(RECQL4):c.1077G>T (p.Lys359Asn)

Gene: RECQL4 (RecQ like helicase 4; minus strand). Cytogenetic location: 8q24.3.
Variant type: single nucleotide variant.
Coding change: c.1077G>T on transcript NM_004260.4 (MANE Select); coding-DNA position 1077, G replaced by T.
Protein change: p.Lys359Asn; replaces lysine 359 with asparagine.
Molecular consequence: missense variant. On other transcripts: 5 prime UTR variant (6), non-coding transcript variant (3).
Genome position (GRCh38, 1-based): chr8:144,516,042, C>A on the plus strand (G>T on the coding strand, the complement: RECQL4 is on the minus strand). VCF-style: chr8-144516042-C-A. GRCh37 (hg19) VCF-style: chr8-145741426-C-A.
Other names: c.981G>T, p.Lys327Asn (NM_001413017.1, NM_001413020.1); c.1077G>T, p.Lys359Asn (NM_001413018.1, NM_001413019.1, NM_001413033.1 and 2 more transcripts); c.6G>T, p.Lys2Asn (NM_001413021.1, NM_001413022.1, NM_001413023.1 and 8 more transcripts); c.948G>T, p.Lys316Asn (NM_001413025.1); c.-57G>T (NM_001413027.1, NM_001413030.1, NM_001413031.1 and 2 more transcripts); c.726G>T, p.Lys242Asn (NM_001413029.1); c.-264G>T (NM_001413043.1); short protein forms K242N, K327N, K2N, K316N, K359N.
Identifiers: ClinVar variation 2848022 (VCV002848022.3), dbSNP rs533185057, ClinGen allele CA372688154.

ClinVar aggregate classification (germline): Uncertain significance (1 of 4 stars; one submission).

Conditions:
Baller-Gerold syndrome (BGS). Also called: CRANIOSYNOSTOSIS WITH RADIAL DEFECTS. Identifiers: Orphanet 1225, MedGen C0265308, MONDO:0009039, OMIM 218600.

Submission:

Labcorp Genetics (formerly Invitae), Labcorp
Classification: Uncertain significance for Baller-Gerold syndrome. Last evaluated: 2023-03-21. Review status: criteria provided, single submitter. Criteria: Invitae Variant Classification Sherloc (09022015). Collection method: clinical testing. Allele origin: germline.
Comment: This sequence change replaces lysine, which is basic and polar, with asparagine, which is neutral and polar, at codon 359 of the RECQL4 protein (p.Lys359Asn). In summary, the available evidence is currently insufficient to determine the role of this variant in disease. Therefore, it has been classified as a Variant of Uncertain Significance. Advanced modeling of protein sequence and biophysical properties (such as structural, functional, and spatial information, amino acid conservation, physicochemical variation, residue mobility, and thermodynamic stability) performed at Invitae indicates that this missense variant is expected to disrupt RECQL4 protein function. This variant has not been reported in the literature in individuals affected with RECQL4-related conditions. This variant is not present in population databases (gnomAD no frequency).